The following is an entry in ClinVar:

NM_004525.3(LRP2):c.13174G>T (p.Asp4392Tyr)

Gene: LRP2 (LDL receptor related protein 2; minus strand). Cytogenetic location: 2q31.1.
Variant type: single nucleotide variant.
Coding change: c.13174G>T on transcript NM_004525.3 (MANE Select); coding-DNA position 13174, G replaced by T.
Protein change: p.Asp4392Tyr; replaces aspartic acid 4392 with tyrosine.
Molecular consequence: missense variant.
Genome position (GRCh38, 1-based): chr2:169,140,480, C>A on the plus strand (G>T on the coding strand, the complement: LRP2 is on the minus strand). VCF-style: chr2-169140480-C-A. GRCh37 (hg19) VCF-style: chr2-169996990-C-A.
Other names: short protein forms D4392Y.
Identifiers: ClinVar variation 1714976 (VCV001714976.5), dbSNP rs1456737473, ClinGen allele CA349157906.
Genomic context (GRCh38, chr2:169,140,480, plus strand): 5'-AGGCCTATAGCTGGGACCTCAACATTCAGACTTACTTGCATTTGGGGAGGTCAGTCTCAT[C>A]AAAATAGCAATTTCCTCCGTGCATGCACCTGCATGGGGGGGGCAGGTTGATAGGCAGTTC-3'
Protein context (NP_004516.2, residues 4382-4402): RCMHGGNCYF[Asp4392Tyr]ETDLPKCKCP

ClinVar aggregate classification (germline): Uncertain significance (1 of 4 stars; one submission).

Allele frequency attached by ClinVar (database versions not stated): gnomAD 0.00001.
gnomAD v4.1: 1 of 1,614,000 alleles (0.000062%); highest among the groups gnomAD compares: Non-Finnish European, 0.000085%; no homozygotes.

Submission:

Labcorp Genetics (formerly Invitae), Labcorp
Classification: Uncertain significance. Last evaluated: 2022-11-29. Review status: criteria provided, single submitter. Criteria: Invitae Variant Classification Sherloc (09022015). Collection method: clinical testing. Allele origin: germline.
Comment: In summary, the available evidence is currently insufficient to determine the role of this variant in disease. Therefore, it has been classified as a Variant of Uncertain Significance. This sequence change replaces aspartic acid, which is acidic and polar, with tyrosine, which is neutral and polar, at codon 4392 of the LRP2 protein (p.Asp4392Tyr). This variant is present in population databases (no rsID available, gnomAD 0.007%). This variant has not been reported in the literature in individuals affected with LRP2-related conditions. Advanced modeling of protein sequence and biophysical properties (such as structural, functional, and spatial information, amino acid conservation, physicochemical variation, residue mobility, and thermodynamic stability) performed at Invitae indicates that this missense variant is not expected to disrupt LRP2 protein function.